The following is an entry in ClinVar:

ClinVar aggregate classification (germline): Benign (0 of 4 stars; one submission).

Conditions:
H19-related disorder. Also called: H19-related condition.

Allele frequency attached by ClinVar (database versions not stated): 1000 Genomes Project 0.02316; ExAC 0.04128.

Submission:

PreventionGenetics, part of Exact Sciences
Classification: Benign for H19-related condition. Last evaluated: 2020-01-02. Review status: no assertion criteria provided. Collection method: clinical testing. Allele origin: germline.
Comment: This variant is classified as benign based on ACMG/AMP sequence variant interpretation guidelines (Richards et al. 2015 PMID: 25741868, with internal and published modifications).

NR_002196.3(H19):n.699C>T

Genes: H19 (H19 imprinted maternally expressed transcript; minus strand), MRPL23 (mitochondrial ribosomal protein L23; plus strand). Cytogenetic location: 11p15.5.
Variant type: single nucleotide variant.
Molecular consequence: non-coding transcript variant (on NR_002196.3). On other transcripts: intron variant (1).
Genome position: GRCh38 VCF-style: chr11-1997144-G-A. GRCh37 (hg19) VCF-style: chr11-2018374-G-A.
Other names: c.498-14397G>A (NM_001400176.1).
Identifiers: ClinVar variation 3037514 (VCV003037514.2), dbSNP rs11564733, ClinGen allele CA5817524.